The following is an entry in ClinVar:

NM_006939.4(SOS2):c.3784C>T (p.Pro1262Ser)

Gene: SOS2 (SOS Ras/Rho guanine nucleotide exchange factor 2; minus strand). Cytogenetic location: 14q21.3.
Variant type: single nucleotide variant.
Coding change: c.3784C>T on transcript NM_006939.4 (MANE Select); coding-DNA position 3784, C replaced by T.
Protein change: p.Pro1262Ser; replaces proline 1262 with serine.
Molecular consequence: missense variant.
Genome position (GRCh38, 1-based): chr14:50,118,559, G>A on the plus strand (C>T on the coding strand, the complement: SOS2 is on the minus strand). VCF-style: chr14-50118559-G-A. GRCh37 (hg19) VCF-style: chr14-50585277-G-A.
Other names: c.3685C>T, p.Pro1229Ser (NM_001411020.1); short protein forms P1229S, P1262S.
Identifiers: ClinVar variation 3225968 (VCV003225968.1), dbSNP rs2502756149, ClinGen allele CA389637787.
Genomic context (GRCh38, chr14:50,118,559, plus strand): 5'-TCTGACTAGAACTGAGCACATAGCATCGACGCGGTACCCTTGGAGAGGGTGTGCTAGGAG[G>A]AGTGCTTGGCGAATTTGGACACGTACTAATGTCTCTGAGCCAGTCTGAATCTCTGTGAAG-3'
Protein context (NP_008870.2, residues 1252-1272): ISTCPNSPST[Pro1262Ser]PSTPSPRVPR

ClinVar aggregate classification (germline): Uncertain significance (1 of 4 stars; one submission).

Conditions:
Cardiovascular phenotype. Identifiers: MedGen CN230736.

Submission:

Ambry Genetics
Classification: Uncertain significance for Cardiovascular phenotype. Last evaluated: 2023-10-20. Review status: criteria provided, single submitter. Criteria: Ambry Variant Classification Scheme 2023. Collection method: clinical testing. Allele origin: germline.
Comment: The p.P1262S variant (also known as c.3784C>T), located in coding exon 23 of the SOS2 gene, results from a C to T substitution at nucleotide position 3784. The proline at codon 1262 is replaced by serine, an amino acid with similar properties. This amino acid position is conserved. In addition, the in silico prediction for this alteration is inconclusive. Since supporting evidence is limited at this time, the clinical significance of this alteration remains unclear.